The following is an entry in ClinVar:

ClinVar aggregate classification (germline): Benign/Likely benign. Review status: criteria provided, multiple submitters, no conflicts (2 of 4 stars). 10 submissions from 10 submitters: Benign (8); Likely benign (1). 1 of the submissions does not count toward it. Last evaluated 2025-04-25.

Conditions:
Polycystic kidney disease, adult type (PKD1). Also called: Polycystic Kidney, Autosomal Dominant; Polycystic Kidney Disease 1, Autosomal Dominant; Polycystic kidney disease 1; Polycystic kidney disease 1, severe; POLYCYSTIC KIDNEY DISEASE 1 WITH OR WITHOUT POLYCYSTIC LIVER DISEASE; POLYCYSTIC KIDNEY DISEASE, ADULT, TYPE I. Identifiers: MedGen C3149841, MONDO:0008263, OMIM 173900.
Polycystic kidney disease. Also called: Polycystic kidney dysplasia; Kidney, Polycystic. Identifiers: MedGen C0022680, MeSH D007690, MONDO:0020642, HP:0000113.

Allele frequency attached by ClinVar (database versions not stated): gnomAD exomes 0.00294 and 0.00580; ExAC 0.00542; ESP Exome Variant Server 0.01240; gnomAD 0.01478 and 0.01582; 1000 Genomes Project 0.01577; 1000 Genomes Project 30x 0.01624; TOPMed 0.01724.
gnomAD v4.1: 6,844 of 1,610,124 alleles (0.43%); highest among the groups gnomAD compares: African/African-American, 3.9%; 99 homozygotes.

Submissions (10):

Women's Health and Genetics/Laboratory Corporation of America, LabCorp
Classification: Benign. Last evaluated: 2025-04-25. Review status: criteria provided, single submitter. Criteria: LabCorp Variant Classification Summary - May 2015. Collection method: clinical testing. Allele origin: germline.

Blueprint Genetics
Classification: Benign. Last evaluated: 2024-11-25. Review status: criteria provided, single submitter. Criteria: ACMG Guidelines, 2015. Collection method: clinical testing. Allele origin: germline.

Mayo Clinic Laboratories, Mayo Clinic
Classification: Benign. Last evaluated: 2023-10-06. Review status: criteria provided, single submitter. Criteria: ACMG Guidelines, 2015. Collection method: clinical testing. Allele origin: germline. Observed: 18 variant alleles.
Comment: BS1, BS2, BP4, BP7

Fulgent Genetics
Classification: Likely benign for Polycystic kidney disease, adult type. Last evaluated: 2021-07-23. Review status: criteria provided, single submitter. Criteria: ACMG Guidelines, 2015. Collection method: clinical testing. Allele origin: unknown.

GeneDx
Classification: Benign. Last evaluated: 2019-12-30. Review status: criteria provided, single submitter. Criteria: GeneDx Variant Classification Process June 2021. Collection method: clinical testing. Allele origin: germline. Affected: yes.
Comment: This variant is associated with the following publications: (PMID: 29860066, 22383692, 17574468, 11967008, 11115377, 10923040)

ARUP Laboratories, Molecular Genetics and Genomics, ARUP Laboratories
Classification: Benign for Polycystic kidney disease, adult type. Last evaluated: 2019-02-21. Review status: criteria provided, single submitter. Criteria: ARUP Molecular Germline Variant Investigation Process. Collection method: clinical testing. Allele origin: germline.

Athena Diagnostics
Classification: Benign. Last evaluated: 2018-07-25. Review status: criteria provided, single submitter. Criteria: Athena Diagnostics Criteria. Collection method: clinical testing. Allele origin: germline.

Breakthrough Genomics
Classification: Benign. Review status: criteria provided, single submitter. Criteria: ACMG Guidelines, 2015. Collection method: not provided. Allele origin: germline. Inheritance: Autosomal dominant inheritance. Affected: yes.

PreventionGenetics, part of Exact Sciences
Classification: Benign. Review status: criteria provided, single submitter. Criteria: ACMG Guidelines, 2015. Collection method: clinical testing. Allele origin: germline.

Department of Pathology and Laboratory Medicine, Sinai Health System
Classification: Benign for Polycystic Kidney disease. Review status: no assertion criteria provided. Collection method: clinical testing. Allele origin: unknown. Affected: yes. Study: The Canadian Open Genetics Repository (COGR). Not counted in ClinVar's aggregate classification.
Comment: The PKD1 p.Thr3223Thr variant was identified in 7 of 970 proband chromosomes (frequency: 0.007) from individuals or families with ADPKD (Rossetti 2001, Rossetti 2002, Rossetti 2012, Garcia-Gonzalez 2007). In all these studies, the variant was identified as a polymorphism, and in one study occurring in the homozygous state, frequency unspecified (Koptides 2000). The variant was identified in dbSNP (ID:rs144817614) as â€šÃ„ÃºNAâ€šÃ„Ã¹, ADPKD Mutation Database (as Likely Neutral), but not in the Clinvitae, ClinVar, GeneInsight COGR, MutDB, PKD1-LOVD, and PKD1-LOVD 3.0 databases. This variant was also identified in the 1000 Genomes Project in 79 of 5000 chromosomes (frequency: 0.0158), HAPMAP populations: EAS in 2 of 1008 chromosomes (frequency: 0.002)/EUR in 7 of 1006 chromosomes (frequency: 0.007), in NHLBI GO Exome Sequencing Project in 15 of 5384 European American alleles (frequency: 0.00279) and in 89 of 3000 African American alleles (frequency: 0.02967), and in the Exome Aggregation Consortium database (March 14, 2016) in 615 of 113462 chromosomes (freq. 0.00542) in the following populations: African in 328 (8 homozygous) of 8492 chromosomes (freq. 0.03862), Other in 9 of 852 chromosomes (freq. 0.01056), Latino in 83 of 11316 chromosomes (freq. 0.000734), European (Non-Finnish) in 192 of 61484 chromosomes (freq. 0.00312), Finnish in 1 of 6518 chromosomes (freq. 0.00015) and East Asian in 1 of 8362 chromosomes (freq. 0.0001) and South Asian in 1 of 16438 chromosomes (freq. 0.00006), however we cannot be certain that data from control databases is specific to PKD1 and not from one of the six PKD1 pseudogenes. The p.Thr3223Thr variant is not expected to have clinical significance because it does not result in a change of amino acid and is not located in a known consensus splice site. The variant occurs outside of the splicing consensus sequence and 1 of 5 in silico or computational prediction software programs (SpliceSiteFinder, MaxEntScan, NNSPLICE, GeneSplicer, HumanSpliceFinder) predict a greater than 10% difference in splicing; this is not very predictive of pathogenicity. In summary, based on the above information, this variant is classified as benign.

Literature cited by the submitters: PubMed 27499327 (cited by Mayo Clinic Laboratories, Mayo Clinic); PubMed 29860066 (cited by Athena Diagnostics).

NM_001009944.3(PKD1):c.9669G>A (p.Thr3223=)

Gene: PKD1 (polycystin 1, transient receptor potential channel interacting; minus strand). Cytogenetic location: 16p13.3.
Variant type: single nucleotide variant.
Coding change: c.9669G>A on transcript NM_001009944.3 (MANE Select); coding-DNA position 9669, G replaced by A.
Protein change: p.Thr3223=; no amino-acid change (threonine 3223 retained).
Molecular consequence: synonymous variant.
Genome position (GRCh38, 1-based): chr16:2,100,209, C>T on the plus strand (G>A on the coding strand, the complement: PKD1 is on the minus strand). VCF-style: chr16-2100209-C-T. GRCh37 (hg19) VCF-style: chr16-2150210-C-T.
Other names: p.Thr3223=; c.9669G>A, p.Thr3223= (NM_000296.4).
Identifiers: ClinVar variation 257044 (VCV000257044.20), dbSNP rs144817614, ClinGen allele CA7829979.